The following is an entry in ClinVar:

NM_000156.6(GAMT):c.509A>G (p.Asn170Ser)

Gene: GAMT (guanidinoacetate N-methyltransferase; minus strand). Cytogenetic location: 19p13.3.
Variant type: single nucleotide variant.
Coding change: c.509A>G on transcript NM_000156.6 (MANE Select); coding-DNA position 509, A replaced by G.
Protein change: p.Asn170Ser; replaces asparagine 170 with serine.
Molecular consequence: missense variant.
Genome position (GRCh38, 1-based): chr19:1,398,977, T>C on the plus strand (A>G on the coding strand, the complement: GAMT is on the minus strand). VCF-style: chr19-1398977-T-C. GRCh37 (hg19) VCF-style: chr19-1398976-T-C.
Other names: c.509A>G, p.Asn170Ser (NM_138924.3); short protein forms N170S.
Identifiers: ClinVar variation 544253 (VCV000544253.11), dbSNP rs202199674, ClinGen allele CA9043622.

ClinVar aggregate classification (germline): Uncertain significance. Review status: criteria provided, multiple submitters, no conflicts (2 of 4 stars). 4 submissions from 4 submitters: Uncertain significance (3). 1 of the submissions does not count toward it. Last evaluated 2023-08-23.

Conditions:
Cerebral creatine deficiency syndrome. Also called: Creatine deficiency syndromes. Identifiers: Orphanet 79172, MedGen C5244016, MONDO:0000456.
Deficiency of guanidinoacetate methyltransferase (CCDS2). Also called: CEREBRAL CREATINE DEFICIENCY SYNDROME 2; Guanidinoacetate Methyltransferase (GAMT) Deficiency; GAMT DEFICIENCY. Identifiers: Orphanet 382, MedGen C0574080, MONDO:0012999, OMIM 612736.

Allele frequency attached by ClinVar (database versions not stated): 1000 Genomes Project 30x 0.00016; 1000 Genomes Project 0.00020.

Submissions (4):

Blueprint Genetics
Classification: Uncertain significance. Last evaluated: 2023-08-23. Review status: criteria provided, single submitter. Criteria: ACMG Guidelines, 2015. Collection method: clinical testing. Allele origin: germline.

Labcorp Genetics (formerly Invitae), Labcorp
Classification: Uncertain significance for Cerebral creatine deficiency syndrome. Last evaluated: 2022-08-23. Review status: criteria provided, single submitter. Criteria: Invitae Variant Classification Sherloc (09022015). Collection method: clinical testing. Allele origin: germline.
Comment: This sequence change replaces asparagine, which is neutral and polar, with serine, which is neutral and polar, at codon 170 of the GAMT protein (p.Asn170Ser). This variant is present in population databases (rs202199674, gnomAD 0.007%). This variant has not been reported in the literature in individuals affected with GAMT-related conditions. ClinVar contains an entry for this variant (Variation ID: 544253). Algorithms developed to predict the effect of missense changes on protein structure and function are either unavailable or do not agree on the potential impact of this missense change (SIFT: "Deleterious"; PolyPhen-2: "Benign"; Align-GVGD: "Class C0"). Algorithms developed to predict the effect of sequence changes on RNA splicing suggest that this variant may create or strengthen a splice site. In summary, the available evidence is currently insufficient to determine the role of this variant in disease. Therefore, it has been classified as a Variant of Uncertain Significance.

Fulgent Genetics
Classification: Uncertain significance for Deficiency of guanidinoacetate methyltransferase. Last evaluated: 2022-02-26. Review status: criteria provided, single submitter. Criteria: ACMG Guidelines, 2015. Collection method: clinical testing. Allele origin: unknown.

Natera, Inc.
Classification: Uncertain significance for Guanidinoacetate methyltransferase deficiency. Last evaluated: 2020-09-16. Review status: no assertion criteria provided. Collection method: clinical testing. Allele origin: germline. Not counted in ClinVar's aggregate classification.